The following is an entry in ClinVar:

ClinVar aggregate classification (germline): Uncertain significance. Review status: criteria provided, multiple submitters, no conflicts (2 of 4 stars). 2 submissions from 2 submitters: Uncertain significance (2). Last evaluated 2025-08-30.

Conditions:
Inborn genetic diseases. Identifiers: MedGen C0950123, MeSH D030342.
Alkaptonuria (AKU). Also called: HOMOGENTISIC ACID OXIDASE DEFICIENCY; Alkaptonuric ochronosis; Alcaptonuria; Homogentisic acidura. Identifiers: Orphanet 56, MedGen C0002066, MONDO:0008753, OMIM 203500.

Allele frequency attached by ClinVar (database versions not stated): gnomAD 0.00001; TOPMed 0.00001.
gnomAD v4.1: 2 of 1,613,960 alleles (0.00012%); highest among the groups gnomAD compares: African/African-American, 0.0013%; no homozygotes.

Submissions (2):

Ambry Genetics
Classification: Uncertain significance for Inborn genetic diseases. Last evaluated: 2025-08-30. Review status: criteria provided, single submitter. Criteria: Ambry Variant Classification Scheme 2023. Collection method: clinical testing. Allele origin: germline.

Labcorp Genetics (formerly Invitae), Labcorp
Classification: Uncertain significance for Alkaptonuria. Last evaluated: 2022-05-25. Review status: criteria provided, single submitter. Criteria: Invitae Variant Classification Sherloc (09022015). Collection method: clinical testing. Allele origin: germline.
Comment: This sequence change replaces glutamine, which is neutral and polar, with arginine, which is basic and polar, at codon 354 of the HGD protein (p.Gln354Arg). This variant is not present in population databases (gnomAD no frequency). This variant has not been reported in the literature in individuals affected with HGD-related conditions. Advanced modeling of protein sequence and biophysical properties (such as structural, functional, and spatial information, amino acid conservation, physicochemical variation, residue mobility, and thermodynamic stability) performed at Invitae indicates that this missense variant is not expected to disrupt HGD protein function. In summary, the available evidence is currently insufficient to determine the role of this variant in disease. Therefore, it has been classified as a Variant of Uncertain Significance.

NM_000187.4(HGD):c.1061A>G (p.Gln354Arg)

Gene: HGD (homogentisate 1,2-dioxygenase; minus strand). Cytogenetic location: 3q13.33.
Variant type: single nucleotide variant.
Coding change: c.1061A>G on transcript NM_000187.4 (MANE Select); coding-DNA position 1061, A replaced by G.
Protein change: p.Gln354Arg; replaces glutamine 354 with arginine.
Molecular consequence: missense variant.
Genome position (GRCh38, 1-based): chr3:120,633,274, T>C on the plus strand (A>G on the coding strand, the complement: HGD is on the minus strand). VCF-style: chr3-120633274-T-C. GRCh37 (hg19) VCF-style: chr3-120352121-T-C.
Other names: c.1061A>G (NM_000187.3); short protein forms Q354R.
Identifiers: ClinVar variation 2049452 (VCV002049452.2), dbSNP rs1940648871, ClinGen allele CA354072916.
Genomic context (GRCh38, chr3:120,633,274, plus strand): 5'-TCAGGTCCATGGGGGGTCATTGTGCTGTGTAGACTCCCTCCCCCTGGCAGGAACCCACCT[T>C]GCTTTGCCTCATAGTGACCTCGGATGAGTCCCATGAACTCACTCATGCAGTTCCCTGGGA-3'
Protein context (NP_000178.2, residues 344-364): GLIRGHYEAK[Gln354Arg]GGFLPGGGSL